The following is an entry in ClinVar:

ClinVar aggregate classification (germline): Pathogenic. Review status: criteria provided, multiple submitters, no conflicts (2 of 4 stars). 5 submissions from 5 submitters: Pathogenic (5). Last evaluated 2026-01-09.

Conditions:
Familial hemophagocytic lymphohistiocytosis 2 (FHL2). Also called: PRF1-Related Familial Hemophagocytic Lymphohistiocytosis (PRF1-fHLH). Identifiers: Orphanet 540, MedGen C1863727, MONDO:0011337, OMIM 603553.
Lymphoma, non-Hodgkin, familial. Identifiers: MedGen C4721532, MONDO:0011508, OMIM 605027.
Aplastic anemia. Identifiers: Orphanet 182040, Orphanet 88, MedGen C0002874, MONDO:0015909, OMIM 609135, HP:0001915.
Familial hemophagocytic lymphohistiocytosis (FHL). Also called: Hereditary hemophagocytic lymphohistiocytosis; Familial erythrophagocytic lymphohistiocytosis; Familial histiocytic reticulosis. Identifiers: Orphanet 158038, Orphanet 540, MedGen C0272199, MONDO:0015541.

Allele frequency attached by ClinVar (database versions not stated): ExAC 0.00001; gnomAD 0.00001.
gnomAD v4.1: 18 of 1,613,308 alleles (0.0011%); highest among the groups gnomAD compares: Non-Finnish European, 0.0014%; no homozygotes.

Submissions (5):

Labcorp Genetics (formerly Invitae), Labcorp
Classification: Pathogenic for Familial hemophagocytic lymphohistiocytosis 2. Last evaluated: 2026-01-09. Review status: criteria provided, single submitter. Criteria: Invitae Variant Classification Sherloc (09022015). Collection method: clinical testing. Allele origin: germline.
Comment: This sequence change replaces glycine, which is neutral and non-polar, with serine, which is neutral and polar, at codon 220 of the PRF1 protein (p.Gly220Ser). This variant is present in population databases (rs776571416, gnomAD 0.003%). This missense change has been observed in individual(s) with hemophagocytic lymphohistiocytosis (PMID: 11565555, 12060139). ClinVar contains an entry for this variant (Variation ID: 961631). Invitae Evidence Modeling of protein sequence and biophysical properties (such as structural, functional, and spatial information, amino acid conservation, physicochemical variation, residue mobility, and thermodynamic stability) indicates that this missense variant is expected to disrupt PRF1 protein function with a positive predictive value of 95%. Experimental studies have shown that this missense change affects PRF1 function (PMID: 15755897, 15924140, 16374518). This variant disrupts the p.Gly220 amino acid residue in PRF1. Other variant(s) that disrupt this residue have been observed in individuals with PRF1-related conditions (PMID: 17873118, 21931115, 26684649; internal data), which suggests that this may be a clinically significant amino acid residue. For these reasons, this variant has been classified as Pathogenic.

Fulgent Genetics
Classification: Pathogenic for Familial hemophagocytic lymphohistiocytosis 2; Lymphoma, non-Hodgkin, familial; Aplastic anemia. Last evaluated: 2024-06-14. Review status: criteria provided, single submitter. Criteria: ACMG Guidelines, 2015. Collection method: clinical testing. Allele origin: germline.

Genomic Medicine Center of Excellence, King Faisal Specialist Hospital and Research Centre
Classification: Pathogenic for Familial hemophagocytic lymphohistiocytosis 2. Last evaluated: 2024-04-04. Review status: criteria provided, single submitter. Criteria: ACMG Guidelines, 2015. Collection method: clinical testing. Allele origin: germline.

Baylor Genetics
Classification: Pathogenic for Aplastic anemia. Last evaluated: 2024-02-08. Review status: criteria provided, single submitter. Criteria: ACMG Guidelines, 2015. Collection method: clinical testing. Allele origin: unknown.

Women's Health and Genetics/Laboratory Corporation of America, LabCorp
Classification: Pathogenic for Familial hemophagocytic lymphohistiocytosis. Last evaluated: 2023-12-11. Review status: criteria provided, single submitter. Criteria: LabCorp Variant Classification Summary - May 2015. Collection method: clinical testing. Allele origin: germline.
Comment: Variant summary: PRF1 c.658G>A (p.Gly220Ser) results in a non-conservative amino acid change located in the Membrane attack complex component/perforin (MACPF) domain (IPR020864) of the encoded protein sequence. Five of five in-silico tools predict a damaging effect of the variant on protein function. The variant allele was found at a frequency of 1.2e-05 in 249184 control chromosomes (gnomAD). c.658G>A has been reported in the literature in multiple individuals affected with Familial Hemophagocytic Lymphohistiocytosis (example: Trizzino_2008, Clementi_2001, Kamolvisit_2021, Shabrish_2021). These data indicate that the variant is very likely to be associated with disease. The following publications have been ascertained in the context of this evaluation (PMID: 17873118, 11565555, 33822359, 33746956). One submitter has cited clinical-significance assessments for this variant to ClinVar after 2014 and has classified the variant as pathogenic. Based on the evidence outlined above, the variant was classified as pathogenic.

Literature cited by the submitters: PubMed 11565555 (cited by Labcorp Genetics (formerly Invitae), Labcorp and Women's Health and Genetics/Laboratory Corporation of America, LabCorp); PubMed 12060139 (cited by Labcorp Genetics (formerly Invitae), Labcorp); PubMed 15755897 (cited by Labcorp Genetics (formerly Invitae), Labcorp); PubMed 15924140 (cited by Labcorp Genetics (formerly Invitae), Labcorp); PubMed 16374518 (cited by Labcorp Genetics (formerly Invitae), Labcorp); PubMed 17873118 (cited by Labcorp Genetics (formerly Invitae), Labcorp and Women's Health and Genetics/Laboratory Corporation of America, LabCorp); PubMed 21931115 (cited by Labcorp Genetics (formerly Invitae), Labcorp); PubMed 26684649 (cited by Labcorp Genetics (formerly Invitae), Labcorp); PubMed 33746956 (cited by Women's Health and Genetics/Laboratory Corporation of America, LabCorp); PubMed 33822359 (cited by Women's Health and Genetics/Laboratory Corporation of America, LabCorp).

NM_001083116.3(PRF1):c.658G>A (p.Gly220Ser)

Gene: PRF1 (perforin 1; minus strand). Cytogenetic location: 10q22.1.
Variant type: single nucleotide variant.
Coding change: c.658G>A on transcript NM_001083116.3 (MANE Select); coding-DNA position 658, G replaced by A.
Protein change: p.Gly220Ser; replaces glycine 220 with serine.
Molecular consequence: missense variant.
Genome position (GRCh38, 1-based): chr10:70,599,063, C>T on the plus strand (G>A on the coding strand, the complement: PRF1 is on the minus strand). VCF-style: chr10-70599063-C-T. GRCh37 (hg19) VCF-style: chr10-72358819-C-T.
Other names: c.658G>A (NM_005041.5); c.658G>A, p.Gly220Ser (NM_005041.6); short protein forms G220S.
Identifiers: ClinVar variation 961631 (VCV000961631.13), dbSNP rs776571416, ClinGen allele CA5538952.